The following is an entry in ClinVar:

NM_003000.3(SDHB):c.562C>G (p.Leu188Val)

Gene: SDHB (succinate dehydrogenase complex iron sulfur subunit B; minus strand). Cytogenetic location: 1p36.13.
Variant type: single nucleotide variant.
Coding change: c.562C>G on transcript NM_003000.3 (MANE Select); coding-DNA position 562, C replaced by G.
Protein change: p.Leu188Val; replaces leucine 188 with valine.
Molecular consequence: missense variant.
Genome position (GRCh38, 1-based): chr1:17,024,053, G>C on the plus strand (C>G on the coding strand, the complement: SDHB is on the minus strand). VCF-style: chr1-17024053-G-C. GRCh37 (hg19) VCF-style: chr1-17350548-G-C.
Other names: short protein forms L188V.
Identifiers: ClinVar variation 459158 (VCV000459158.13), dbSNP rs1392463987, ClinGen allele CA338271356.

ClinVar aggregate classification (germline): Uncertain significance. Review status: criteria provided, multiple submitters, no conflicts (2 of 4 stars). 3 submissions from 3 submitters: Uncertain significance (3). Last evaluated 2025-08-02.

Conditions:
Hereditary cancer-predisposing syndrome. Also called: Tumor predisposition; Hereditary neoplastic syndrome; Neoplastic Syndromes, Hereditary; Hereditary Cancer Syndrome. Identifiers: Orphanet 140162, MedGen C0027672, MeSH D009386, MONDO:0015356.
Pheochromocytoma. Also called: MAX-Related Hereditary Paraganglioma-Pheochromocytoma Syndrome. Identifiers: Orphanet 29072, MedGen C0031511, MONDO:0008233, OMIM 171300, HP:0002666.
Pheochromocytoma/paraganglioma syndrome 4. Also called: SDHB-Related Hereditary Paraganglioma-Pheochromocytoma Syndrome (Paragangliomas 4); CAROTID BODY TUMORS AND MULTIPLE EXTRAADRENAL PHEOCHROMOCYTOMAS; PARAGANGLIOMA, FAMILIAL MALIGNANT; PARAGANGLIOMAS, HEREDITARY EXTRAADRENAL; SDHB-Related Hereditary Paraganglioma-Pheochromocytoma Syndrome; PHEOCHROMOCYTOMA, FAMILIAL EXTRAADRENAL. Identifiers: Orphanet 29072, MedGen C1861848, MONDO:0007273, OMIM 115310.
Gastrointestinal stromal tumor. Also called: Gastrointestinal stroma tumor; Gastrointestinal stromal tumor, somatic. Identifiers: Orphanet 44890, MedGen C0238198, MeSH D046152, MONDO:0011719, OMIM 606764, HP:0100723.

gnomAD v4.1: 9 of 1,613,654 alleles (0.00056%); highest among the groups gnomAD compares: Non-Finnish European, 0.00068%; no homozygotes.

Submissions (3):

Ambry Genetics
Classification: Uncertain significance for Hereditary cancer-predisposing syndrome. Last evaluated: 2025-08-02. Review status: criteria provided, single submitter. Criteria: Ambry Variant Classification Scheme 2023. Collection method: clinical testing. Allele origin: germline.
Comment: The p.L188V variant (also known as c.562C>G), located in coding exon 6 of the SDHB gene, results from a C to G substitution at nucleotide position 562. The leucine at codon 188 is replaced by valine, an amino acid with highly similar properties. This amino acid position is highly conserved in available vertebrate species. In addition, this alteration is predicted to be deleterious by in silico analysis. Since supporting evidence is limited at this time, the clinical significance of this alteration remains unclear.

Quest Diagnostics Nichols Institute San Juan Capistrano
Classification: Uncertain significance. Last evaluated: 2025-03-08. Review status: criteria provided, single submitter. Criteria: Quest Diagnostics criteria. Collection method: clinical testing. Allele origin: unknown.

Labcorp Genetics (formerly Invitae), Labcorp
Classification: Uncertain significance for Gastrointestinal stromal tumor; Pheochromocytoma/paraganglioma syndrome 4; Pheochromocytoma. Last evaluated: 2024-04-10. Review status: criteria provided, single submitter. Criteria: Invitae Variant Classification Sherloc (09022015). Collection method: clinical testing. Allele origin: germline.
Comment: This sequence change replaces leucine, which is neutral and non-polar, with valine, which is neutral and non-polar, at codon 188 of the SDHB protein (p.Leu188Val). This variant is present in population databases (no rsID available, gnomAD 0.002%). This variant has not been reported in the literature in individuals affected with SDHB-related conditions. ClinVar contains an entry for this variant (Variation ID: 459158). Advanced modeling of protein sequence and biophysical properties (such as structural, functional, and spatial information, amino acid conservation, physicochemical variation, residue mobility, and thermodynamic stability) performed at Invitae indicates that this missense variant is expected to disrupt SDHB protein function with a positive predictive value of 80%. In summary, the available evidence is currently insufficient to determine the role of this variant in disease. Therefore, it has been classified as a Variant of Uncertain Significance.